The following is an entry in ClinVar:

ClinVar aggregate classification (germline): Uncertain significance (1 of 4 stars; one submission).

Submission:

Labcorp Genetics (formerly Invitae), Labcorp
Classification: Uncertain significance. Last evaluated: 2020-03-11. Review status: criteria provided, single submitter. Criteria: Invitae Variant Classification Sherloc (09022015). Collection method: clinical testing. Allele origin: germline.
Comment: This sequence change replaces tyrosine with asparagine at codon 1889 of the ABCA4 protein (p.Tyr1889Asn). The tyrosine residue is highly conserved and there is a large physicochemical difference between tyrosine and asparagine. In summary, the available evidence is currently insufficient to determine the role of this variant in disease. Therefore, it has been classified as a Variant of Uncertain Significance. Algorithms developed to predict the effect of missense changes on protein structure and function (SIFT, PolyPhen-2, Align-GVGD) all suggest that this variant is likely to be disruptive, but these predictions have not been confirmed by published functional studies and their clinical significance is uncertain. This variant has not been reported in the literature in individuals with ABCA4-related conditions. This variant is not present in population databases (ExAC no frequency).

NM_000350.3(ABCA4):c.5665T>A (p.Tyr1889Asn)

Gene: ABCA4 (ATP binding cassette subfamily A member 4; minus strand). Cytogenetic location: 1p22.1.
Variant type: single nucleotide variant.
Coding change: c.5665T>A on transcript NM_000350.3 (MANE Select); coding-DNA position 5665, T replaced by A.
Protein change: p.Tyr1889Asn; replaces tyrosine 1889 with asparagine.
Molecular consequence: missense variant.
Genome position (GRCh38, 1-based): chr1:94,010,849, A>T on the plus strand (T>A on the coding strand, the complement: ABCA4 is on the minus strand). VCF-style: chr1-94010849-A-T. GRCh37 (hg19) VCF-style: chr1-94476405-A-T.
Other names: c.5443T>A, p.Tyr1815Asn (NM_001425324.1); short protein forms Y1889N, Y1815N.
Identifiers: ClinVar variation 1019273 (VCV001019273.8), dbSNP rs1659523810, ClinGen allele CA341280796.